The following is an entry in ClinVar:

NM_000553.6(WRN):c.1903A>G (p.Lys635Glu)

Gene: WRN (WRN RecQ like helicase; plus strand). Cytogenetic location: 8p12.
Variant type: single nucleotide variant.
Coding change: c.1903A>G on transcript NM_000553.6 (MANE Select); coding-DNA position 1903, A replaced by G.
Protein change: p.Lys635Glu; replaces lysine 635 with glutamic acid.
Molecular consequence: missense variant.
Genome position (GRCh38, 1-based): chr8:31,096,772, A>G. VCF-style: chr8-31096772-A-G. GRCh37 (hg19) VCF-style: chr8-30954288-A-G.
Other names: short protein forms K635E.
Identifiers: ClinVar variation 1939790 (VCV001939790.6), dbSNP rs774998815, ClinGen allele CA4704563.

ClinVar aggregate classification (germline): Uncertain significance. Review status: criteria provided, multiple submitters, no conflicts (2 of 4 stars). 2 submissions from 2 submitters: Uncertain significance (2). Last evaluated 2025-05-17.

Conditions:
Inborn genetic diseases. Identifiers: MedGen C0950123, MeSH D030342.
Werner syndrome (WRN). Identifiers: Orphanet 902, MedGen C0043119, MONDO:0010196, OMIM 277700.

Allele frequency attached by ClinVar (database versions not stated): gnomAD exomes below 0.00001; ExAC 0.00001.
gnomAD v4.1: 1 of 1,608,546 alleles (0.000062%); highest among the groups gnomAD compares: Non-Finnish European, 0.000085%; no homozygotes.

Submissions (2):

Ambry Genetics
Classification: Uncertain significance for Inborn genetic diseases. Last evaluated: 2025-05-17. Review status: criteria provided, single submitter. Criteria: Ambry Variant Classification Scheme 2023. Collection method: clinical testing. Allele origin: germline.

Labcorp Genetics (formerly Invitae), Labcorp
Classification: Uncertain significance for Werner syndrome. Last evaluated: 2022-05-08. Review status: criteria provided, single submitter. Criteria: Invitae Variant Classification Sherloc (09022015). Collection method: clinical testing. Allele origin: germline.
Comment: In summary, the available evidence is currently insufficient to determine the role of this variant in disease. Therefore, it has been classified as a Variant of Uncertain Significance. Algorithms developed to predict the effect of missense changes on protein structure and function output the following: SIFT: "Not Available"; PolyPhen-2: "Benign"; Align-GVGD: "Not Available". The glutamic acid amino acid residue is found in multiple mammalian species, which suggests that this missense change does not adversely affect protein function. This variant has not been reported in the literature in individuals affected with WRN-related conditions. This variant is present in population databases (rs774998815, gnomAD 0.0009%). This sequence change replaces lysine, which is basic and polar, with glutamic acid, which is acidic and polar, at codon 635 of the WRN protein (p.Lys635Glu).